The following is an entry in ClinVar:

NM_000540.3(RYR1):c.12187A>G (p.Met4063Val)

Gene: RYR1 (ryanodine receptor 1; plus strand). Cytogenetic location: 19q13.2.
Variant type: single nucleotide variant.
Coding change: c.12187A>G on transcript NM_000540.3 (MANE Select); coding-DNA position 12187, A replaced by G.
Protein change: p.Met4063Val; replaces methionine 4063 with valine.
Molecular consequence: missense variant.
Genome position (GRCh38, 1-based): chr19:38,548,325, A>G. VCF-style: chr19-38548325-A-G. GRCh37 (hg19) VCF-style: chr19-39038965-A-G.
Other names: c.12172A>G, p.Met4058Val (NM_001042723.2); c.12187A>G (NM_000540.2); short protein forms M4058V, M4063V.
Identifiers: ClinVar variation 1043357 (VCV001043357.12), dbSNP rs181968345, ClinGen allele CA058428.

ClinVar aggregate classification (germline): Conflicting classifications of pathogenicity. Review status: criteria provided, conflicting classifications (1 of 4 stars). 3 submissions from 3 submitters: Uncertain significance (2); Likely benign (1). Last evaluated 2025-12-22.

Conditions:
RYR1-related disorder. Also called: RYR1-related condition; RYR1-related disorders. Identifiers: MedGen CN239331.
Malignant hyperthermia, susceptibility to, 1 (MHS1). Also called: Anesthesia related hyperthermia; Malignant hyperpyrexia; Fulminating hyperpyrexia; Pharmacogenic myopathy; RYR1-Related Malignant Hyperthermia Susceptibility; Malignant hyperthermia suceptibility 1. Identifiers: Orphanet 423, MedGen C2930980, MONDO:0007783, OMIM 145600.

Allele frequency attached by ClinVar (database versions not stated): gnomAD 0.00002 and 0.00003; TOPMed 0.00003; gnomAD exomes 0.00004 and 0.00005; ExAC 0.00008; 1000 Genomes Project 30x 0.00031; 1000 Genomes Project 0.00040.
gnomAD v4.1: 69 of 1,614,218 alleles (0.0043%); highest among the groups gnomAD compares: Non-Finnish European, 0.0053%; no homozygotes.

Submissions (3):

Labcorp Genetics (formerly Invitae), Labcorp
Classification: Likely benign for RYR1-related disorder. Last evaluated: 2025-12-22. Review status: criteria provided, single submitter. Criteria: Invitae Variant Classification Sherloc (09022015). Collection method: clinical testing. Allele origin: germline.

Color Diagnostics, LLC DBA Color Health
Classification: Uncertain significance for Malignant hyperthermia, susceptibility to, 1. Last evaluated: 2024-03-21. Review status: criteria provided, single submitter. Criteria: ACMG Guidelines, 2015. Collection method: clinical testing. Allele origin: germline.
Comment: This missense variant replaces methionine with valine at codon 4063 of the RYR1 protein. Computational prediction suggests that this variant may not impact protein structure and function. To our knowledge, functional studies have not been reported for this variant. This variant has not been reported in individuals affected with autosomal dominant malignant hyperthermia in the literature, although it is associated with other phenotypes (PMID: 32403337). This variant has been identified in 13/282900 chromosomes in the general population by the Genome Aggregation Database (gnomAD). The available evidence is insufficient to determine the role of this variant in disease conclusively. Therefore, this variant is classified as a Variant of Uncertain Significance.

Revvity Omics, Revvity
Classification: Uncertain significance. Last evaluated: 2019-05-01. Review status: criteria provided, single submitter. Criteria: ACMG Guidelines, 2015. Collection method: clinical testing. Allele origin: germline.

Literature cited by the submitters: PubMed 32403337 (cited by Color Diagnostics, LLC DBA Color Health).